The following is an entry in ClinVar:

ClinVar aggregate classification (germline): Benign/Likely benign. Review status: criteria provided, multiple submitters, no conflicts (2 of 4 stars). 9 submissions from 9 submitters: Benign (2); Likely benign (7). Last evaluated 2026-09-01.

Conditions:
Neutropenia, severe congenital, 9, autosomal dominant. Identifiers: MedGen C5676954, MONDO:0030726, OMIM 619813.
3-methylglutaconic aciduria, type VIIA. Also called: 3-METHYLGLUTACONIC ACIDURIA WITH NEUROLOGIC INVOLVEMENT AND NEUTROPENIA, AUTOSOMAL DOMINANT. Identifiers: MedGen C5676967, MONDO:0859237, OMIM 619835.
3-methylglutaconic aciduria, type VIIB (MGCA7B). Also called: 3-methylglutaconic aciduria, type VII, with cataracts, neurologic involvement and neutropenia; 3-methylglutaconic aciduria with cataracts, neurologic involvement and neutropenia; CLPB Deficiency. Identifiers: Orphanet 445038, MedGen C5676893, MONDO:0014561, OMIM 616271.

Allele frequency attached by ClinVar (database versions not stated): 1000 Genomes Project 0.00060; 1000 Genomes Project 30x 0.00094; TOPMed 0.00423; gnomAD 0.00446 and 0.00471; ExAC 0.00453; gnomAD exomes 0.00461 and 0.00717; ESP Exome Variant Server 0.00501.
gnomAD v4.1: 11,005 of 1,614,066 alleles (0.68%); highest among the groups gnomAD compares: Non-Finnish European, 0.85%; 56 homozygotes.

Submissions (9):

CeGaT Center for Human Genetics Tuebingen
Classification: Likely benign. Last evaluated: 2026-09-01. Review status: criteria provided, single submitter. Criteria: CeGaT Center For Human Genetics Tuebingen Variant Classification Criteria Version 2. Collection method: clinical testing. Allele origin: germline. Affected: yes. Observed: 30 variant alleles.
Comment: CLPB: BP4, BS2

Labcorp Genetics (formerly Invitae), Labcorp
Classification: Likely benign for 3-methylglutaconic aciduria, type VIIB. Last evaluated: 2026-02-01. Review status: criteria provided, single submitter. Criteria: Invitae Variant Classification Sherloc (09022015). Collection method: clinical testing. Allele origin: germline.

Mayo Clinic Laboratories, Mayo Clinic
Classification: Benign. Last evaluated: 2025-04-21. Review status: criteria provided, single submitter. Criteria: ACMG Guidelines, 2015. Collection method: clinical testing. Allele origin: germline. Observed: 10 variant alleles.
Comment: BS1, BS2, BP4

Blueprint Genetics
Classification: Likely benign. Last evaluated: 2024-11-27. Review status: criteria provided, single submitter. Criteria: ACMG Guidelines, 2015. Collection method: clinical testing. Allele origin: germline.

Fulgent Genetics
Classification: Likely benign for 3-methylglutaconic aciduria, type VIIB; Neutropenia, severe congenital, 9, autosomal dominant; 3-methylglutaconic aciduria, type VIIA. Last evaluated: 2021-07-28. Review status: criteria provided, single submitter. Criteria: ACMG Guidelines, 2015. Collection method: clinical testing. Allele origin: unknown.

GeneDx
Classification: Benign. Last evaluated: 2019-09-03. Review status: criteria provided, single submitter. Criteria: GeneDx Variant Classification Process June 2021. Collection method: clinical testing. Allele origin: germline. Affected: yes.
Comment: This variant is associated with the following publications: (PMID: 24439111)

Eurofins Ntd Llc (ga)
Classification: Likely benign. Last evaluated: 2016-10-27. Review status: criteria provided, single submitter. Criteria: EGL Classification Definitions 2015. Collection method: clinical testing. Allele origin: germline. Observed: 1 variant allele, 1 heterozygote.

Center for Pediatric Genomic Medicine, Children's Mercy Hospital and Clinics
Classification: Likely benign. Last evaluated: 2016-04-11. Review status: criteria provided, single submitter. Criteria: ACMG Guidelines, 2015. Collection method: clinical testing. Allele origin: germline.
ClinVar note: Converted during submission from Likely Benign to Likely benign.

Breakthrough Genomics
Classification: Likely benign. Review status: criteria provided, single submitter. Criteria: ACMG Guidelines, 2015. Collection method: not provided. Allele origin: germline. Inheritance: Autosomal recessive inheritance. Affected: yes.

Literature cited by the submitters: PubMed 24439111 (cited by Mayo Clinic Laboratories, Mayo Clinic); PubMed 35274497 (cited by Mayo Clinic Laboratories, Mayo Clinic).

NM_030813.6(CLPB):c.668G>A (p.Ser223Asn)

Gene: CLPB (ClpB family mitochondrial disaggregase; minus strand). Cytogenetic location: 11q13.4.
Variant type: single nucleotide variant.
Coding change: c.668G>A on transcript NM_030813.6 (MANE Plus Clinical); coding-DNA position 668, G replaced by A.
Protein change: p.Ser223Asn; replaces serine 223 with asparagine.
Molecular consequence: missense variant. On other transcripts: intron variant (2).
Genome position (GRCh38, 1-based): chr11:72,372,993, C>T on the plus strand (G>A on the coding strand, the complement: CLPB is on the minus strand). VCF-style: chr11-72372993-C-T. GRCh37 (hg19) VCF-style: chr11-72084037-C-T.
Other names: p.Ser223Asn; c.533G>A, p.Ser178Asn (NM_001258394.3); c.559+7288G>A (NM_001258393.3); c.646+7288G>A (NM_001258392.3); short protein forms S223N, S178N.
Identifiers: ClinVar variation 235218 (VCV000235218.55), dbSNP rs143097446, ClinGen allele CA6171478.
Genomic context (GRCh38, chr11:72,372,993, plus strand): 5'-GGGAGTCCTAGCCATCTCCTGAACTCCAGGGCACTTGTCCACTGGTTTGTGATGTGCCGG[C>T]TTGCACCGTCCTGTCCCCCATCTGAAGACACAGAGATGGGGAGGTCAGCTGGAGCAGGCC-3'
Protein context (NP_110440.1, residues 213-233): SLEDGGQDGA[Ser223Asn]RHITNQWTSA